The following is an entry in ClinVar:

NM_000059.4(BRCA2):c.5635G>T (p.Glu1879Ter)

Gene: BRCA2 (BRCA2 DNA repair associated; plus strand). Cytogenetic location: 13q13.1.
Variant type: single nucleotide variant.
Coding change: c.5635G>T on transcript NM_000059.4 (MANE Select); coding-DNA position 5635, G replaced by T.
Protein change: p.Glu1879Ter; replaces glutamic acid 1879 with a stop codon.
Molecular consequence: nonsense.
Genome position (GRCh38, 1-based): chr13:32,339,990, G>T. VCF-style: chr13-32339990-G-T. GRCh37 (hg19) VCF-style: chr13-32914127-G-T.
Other names: short protein forms E1879*.
Identifiers: ClinVar variation 185961 (VCV000185961.46), dbSNP rs55996097, ClinGen allele CA022785.

ClinVar aggregate classification (germline): Pathogenic. Review status: reviewed by expert panel (3 of 4 stars). 11 submissions from 11 submitters: Pathogenic (1). 10 of the submissions do not count toward it. Last evaluated 2016-09-08.

Conditions:
Hereditary cancer-predisposing syndrome. Also called: Tumor predisposition; Neoplastic Syndromes, Hereditary; Hereditary Cancer Syndrome; Hereditary neoplastic syndrome. Identifiers: Orphanet 140162, MedGen C0027672, MeSH D009386, MONDO:0015356.
Gastric cancer. Also called: Stomach cancer; Malignant tumor of stomach. Identifiers: MedGen C0024623, MeSH D013274, MONDO:0001056, OMIM 613659, HP:0012126.
Hereditary breast ovarian cancer syndrome. Also called: Hereditary breast and ovarian cancer; Hereditary breast and ovarian cancer syndrome (HBOC); Breast and ovarian cancer; Hereditary breast and/or ovarian cancer syndrome; BRCA1- and BRCA2-Associated Hereditary Breast and Ovarian Cancer; Hereditary breast and ovarian cancer syndrome. Identifiers: Orphanet 145, MedGen C0677776, MeSH D061325, MONDO:0003582. Disease mechanism: loss of function.
Breast-ovarian cancer, familial, susceptibility to, 2 (BROVCA2). Also called: BRCA2 Hereditary Breast and Ovarian Cancer. Identifiers: Orphanet 145, MedGen C2675520, MONDO:0012933, OMIM 612555. Disease mechanism: loss of function.
Familial cancer of breast. Also called: hereditary breast carcinoma; Hereditary breast cancer; BREAST CANCER, FAMILIAL. Identifiers: Orphanet 227535, MedGen C0346153, MONDO:0016419, OMIM 114480. Disease mechanism: loss of function.

Submissions (11):

Evidence-based Network for the Interpretation of Germline Mutant Alleles (ENIGMA)
Classification: Pathogenic for Breast-ovarian cancer, familial, susceptibility to, 2. Last evaluated: 2016-09-08. Review status: reviewed by expert panel. Criteria: ENIGMA BRCA1/2 Classification Criteria (2015). Collection method: curation. Allele origin: germline.
Comment: Variant allele predicted to encode a truncated non-functional protein.

GeneDx
Classification: Pathogenic. Last evaluated: 2026-07-25. Review status: criteria provided, single submitter. Criteria: GeneDx Variant Classification Process June 2021. Collection method: clinical testing. Allele origin: germline. Not counted in ClinVar's aggregate classification.
Comment: Reported among a large cohort of families identified to carry BRCA1/2 pathogenic variants; however, clinical details were not provided (PMID: 29446198); Nonsense variant predicted to result in protein truncation or nonsense mediated decay in a gene for which loss of function is a known mechanism of disease; Not observed at significant frequency in large population cohorts (gnomAD); Truncating variants in this gene are considered pathogenic by a well-established clinical consortium and/or database; Also known as 5863G>T; This variant is associated with the following publications: (PMID: 36243179, 30287823, 35731312, 12228710, 31497750, 29446198, 27535533)

Ambry Genetics
Classification: Pathogenic for Hereditary cancer-predisposing syndrome. Last evaluated: 2025-12-16. Review status: criteria provided, single submitter. Criteria: Ambry Variant Classification Scheme 2023. Collection method: clinical testing. Allele origin: germline. Not counted in ClinVar's aggregate classification.
Comment: The p.E1879* pathogenic mutation (also known as c.5635G>T), located in coding exon 10 of the BRCA2 gene, results from a G to T substitution at nucleotide position 5635. This changes the amino acid from a glutamic acid to a stop codon within coding exon 10. This variant is considered to be rare based on population cohorts in the Genome Aggregation Database (gnomAD). This alteration is expected to result in loss of function by premature protein truncation or nonsense-mediated mRNA decay. As such, this alteration is interpreted as a disease-causing mutation.

Labcorp Genetics (formerly Invitae), Labcorp
Classification: Pathogenic for Hereditary breast ovarian cancer syndrome. Last evaluated: 2024-08-21. Review status: criteria provided, single submitter. Criteria: Invitae Variant Classification Sherloc (09022015). Collection method: clinical testing. Allele origin: germline. Not counted in ClinVar's aggregate classification.
Comment: This sequence change creates a premature translational stop signal (p.Glu1879*) in the BRCA2 gene. It is expected to result in an absent or disrupted protein product. Loss-of-function variants in BRCA2 are known to be pathogenic (PMID: 20104584). This variant is not present in population databases (gnomAD no frequency). This premature translational stop signal has been observed in individual(s) with high risk of breast and/or ovarian cancer (PMID: 29446198). ClinVar contains an entry for this variant (Variation ID: 185961). For these reasons, this variant has been classified as Pathogenic.

Baylor Genetics
Classification: Pathogenic for Familial cancer of breast. Last evaluated: 2023-09-15. Review status: criteria provided, single submitter. Criteria: ACMG Guidelines, 2015. Collection method: clinical testing. Allele origin: unknown. Not counted in ClinVar's aggregate classification.

Women's Health and Genetics/Laboratory Corporation of America, LabCorp
Classification: Pathogenic for Hereditary breast ovarian cancer syndrome. Last evaluated: 2023-01-16. Review status: criteria provided, single submitter. Criteria: LabCorp Variant Classification Summary - May 2015. Collection method: clinical testing. Allele origin: germline. Not counted in ClinVar's aggregate classification.
Comment: Variant summary: BRCA2 c.5635G>T (p.Glu1879X) results in a premature termination codon, predicted to cause a truncation of the encoded protein or absence of the protein due to nonsense mediated decay, which are commonly known mechanisms for disease. Truncations downstream of this position have been classified as pathogenic by our laboratory. The variant was absent in 248816 control chromosomes. c.5635G>T has been reported in the literature in individuals affected with Hereditary Breast And Ovarian Cancer Syndrome (Rebbeck_2018, Olafsdottir_2020, Hu_2018, Ouedraogo_2022). These data indicate that the variant is likely to be associated with disease. To our knowledge, no experimental evidence demonstrating an impact on protein function has been reported. Seven (other) submitters, including an expert panel (ENIGMA), have provided clinical-significance assessments for this variant in ClinVar after 2014, and all classified the variant as pathogenic. Based on the evidence outlined above, the variant was classified as pathogenic.

Color Diagnostics, LLC DBA Color Health
Classification: Pathogenic for Hereditary cancer-predisposing syndrome. Last evaluated: 2020-01-15. Review status: criteria provided, single submitter. Criteria: ACMG Guidelines, 2015. Collection method: clinical testing. Allele origin: germline. Not counted in ClinVar's aggregate classification.
Comment: This variant changes 1 nucleotide in exon 11 of the BRCA2 gene, creating a premature translation stop signal. This variant is expected to result in an absent or non-functional protein product. This variant has not been identified in the general population by the Genome Aggregation Database (gnomAD). Loss of BRCA2 function is a known mechanism of disease. Based on the available evidence, this variant is classified as Pathogenic.

Quest Diagnostics Nichols Institute San Juan Capistrano
Classification: Pathogenic. Last evaluated: 2018-05-08. Review status: criteria provided, single submitter. Criteria: Quest Diagnostics criteria. Collection method: clinical testing. Allele origin: germline. Not counted in ClinVar's aggregate classification.

Consortium of Investigators of Modifiers of BRCA1/2 (CIMBA), c/o University of Cambridge
Classification: Pathogenic for Breast-ovarian cancer, familial, susceptibility to, 2. Last evaluated: 2015-10-02. Review status: criteria provided, single submitter. Criteria: CIMBA Mutation Classification guidelines May 2016. Collection method: clinical testing. Allele origin: germline. Not counted in ClinVar's aggregate classification.

Laboratory for Genotyping Development, RIKEN
Classification: Pathogenic for Gastric cancer. Last evaluated: 2021-07-01. Review status: no assertion criteria provided. Collection method: research. Allele origin: germline. Not counted in ClinVar's aggregate classification.

BRCAlab, Lund University
Classification: Pathogenic for Breast-ovarian cancer, familial, susceptibility to, 2. Last evaluated: 2020-03-02. Review status: no assertion criteria provided. Collection method: clinical testing. Allele origin: germline. Affected: yes. Not counted in ClinVar's aggregate classification.

Literature cited by the submitters: PubMed 20104584 (cited by Labcorp Genetics (formerly Invitae), Labcorp); PubMed 29446198 (cited by Labcorp Genetics (formerly Invitae), Labcorp and Women's Health and Genetics/Laboratory Corporation of America, LabCorp); PubMed 30287823 (cited by Women's Health and Genetics/Laboratory Corporation of America, LabCorp); PubMed 32939053 (cited by Women's Health and Genetics/Laboratory Corporation of America, LabCorp); PubMed 31497750 (cited by Women's Health and Genetics/Laboratory Corporation of America, LabCorp); PubMed 35731312 (cited by Women's Health and Genetics/Laboratory Corporation of America, LabCorp); PubMed 36988593 (cited by Laboratory for Genotyping Development, RIKEN).